The following is an entry in ClinVar:

NM_006734.4(HIVEP2):c.2381C>T (p.Pro794Leu)

Gene: HIVEP2 (HIVEP zinc finger 2; minus strand). Cytogenetic location: 6q24.2.
Variant type: single nucleotide variant.
Coding change: c.2381C>T on transcript NM_006734.4 (MANE Select); coding-DNA position 2381, C replaced by T.
Protein change: p.Pro794Leu; replaces proline 794 with leucine.
Molecular consequence: missense variant.
Genome position (GRCh38, 1-based): chr6:142,772,358, G>A on the plus strand (C>T on the coding strand, the complement: HIVEP2 is on the minus strand). VCF-style: chr6-142772358-G-A. GRCh37 (hg19) VCF-style: chr6-143093495-G-A.
Other names: short protein forms P794L.
Identifiers: ClinVar variation 2572685 (VCV002572685.1), dbSNP rs1775569658, ClinGen allele CA365909492.

ClinVar aggregate classification (germline): Uncertain significance (1 of 4 stars; one submission).

Allele frequency attached by ClinVar (database versions not stated): gnomAD exomes below 0.00001; TOPMed below 0.00001.
gnomAD v4.1: 2 of 1,614,222 alleles (0.00012%); highest among the groups gnomAD compares: African/African-American, 0.0013%; no homozygotes.

Submission:

GeneDx
Classification: Uncertain significance. Last evaluated: 2023-01-13. Review status: criteria provided, single submitter. Criteria: GeneDx Variant Classification Process June 2021. Collection method: clinical testing. Allele origin: germline. Affected: yes.
Comment: Not observed at significant frequency in large population cohorts (gnomAD); In silico analysis supports that this missense variant does not alter protein structure/function; Has not been previously published as pathogenic or benign to our knowledge